The following is an entry in ClinVar:

NM_000038.6(APC):c.5499A>T (p.Arg1833Ser)

Gene: APC (APC regulator of Wnt signaling pathway; plus strand). Cytogenetic location: 5q22.2.
Variant type: single nucleotide variant.
Coding change: c.5499A>T on transcript NM_000038.6 (MANE Select); coding-DNA position 5499, A replaced by T.
Protein change: p.Arg1833Ser; replaces arginine 1833 with serine.
Molecular consequence: missense variant.
Genome position (GRCh38, 1-based): chr5:112,841,093, A>T. VCF-style: chr5-112841093-A-T. GRCh37 (hg19) VCF-style: chr5-112176790-A-T.
Other names: c.5499A>T, p.Arg1833Ser (NM_001127510.3, NM_001354895.2, NM_001407450.1); c.5445A>T, p.Arg1815Ser (NM_001127511.3); c.5553A>T, p.Arg1851Ser (NM_001354896.2, NM_001407447.1, NM_001407448.1 and 1 more transcripts); c.5529A>T, p.Arg1843Ser (NM_001354897.2); c.5424A>T, p.Arg1808Ser (NM_001354898.2); c.5415A>T, p.Arg1805Ser (NM_001354899.2); c.5376A>T, p.Arg1792Ser (NM_001354900.2); c.5322A>T, p.Arg1774Ser (NM_001354901.2, NM_001407453.1); and 12 more; short protein forms R1449S, R1750S, R1792S, R1805S, R1826S, R1851S, R1823S, R1843S.
Identifiers: ClinVar variation 2161997 (VCV002161997.8), dbSNP rs1554086778, ClinGen allele CA16033365.

ClinVar aggregate classification (germline): Uncertain significance. Review status: criteria provided, multiple submitters, no conflicts (2 of 4 stars). 4 submissions from 4 submitters: Uncertain significance (4). Last evaluated 2024-11-05.

Conditions:
Hereditary cancer-predisposing syndrome. Also called: Hereditary Cancer Syndrome; Neoplastic Syndromes, Hereditary; Tumor predisposition; Hereditary neoplastic syndrome. Identifiers: Orphanet 140162, MedGen C0027672, MeSH D009386, MONDO:0015356.
Familial adenomatous polyposis 1 (FAP1). Also called: POLYPOSIS, ADENOMATOUS INTESTINAL; FAMILIAL ADENOMATOUS POLYPOSIS 1, ATTENUATED. Identifiers: MedGen C2713442, MONDO:0021056, OMIM 175100. Disease mechanism: loss of function.

Submissions (4):

Labcorp Genetics (formerly Invitae), Labcorp
Classification: Uncertain significance for Familial adenomatous polyposis 1. Last evaluated: 2024-11-05. Review status: criteria provided, single submitter. Criteria: Invitae Variant Classification Sherloc (09022015). Collection method: clinical testing. Allele origin: germline.
Comment: This sequence change replaces arginine, which is basic and polar, with serine, which is neutral and polar, at codon 1833 of the APC protein (p.Arg1833Ser). This variant is not present in population databases (gnomAD no frequency). This variant has not been reported in the literature in individuals affected with APC-related conditions. ClinVar contains an entry for this variant (Variation ID: 2161997). Invitae Evidence Modeling of protein sequence and biophysical properties (such as structural, functional, and spatial information, amino acid conservation, physicochemical variation, residue mobility, and thermodynamic stability) indicates that this missense variant is not expected to disrupt APC protein function with a negative predictive value of 95%. In summary, the available evidence is currently insufficient to determine the role of this variant in disease. Therefore, it has been classified as a Variant of Uncertain Significance.

Baylor Genetics
Classification: Uncertain significance for Familial adenomatous polyposis 1. Last evaluated: 2024-01-20. Review status: criteria provided, single submitter. Criteria: ACMG Guidelines, 2015. Collection method: clinical testing. Allele origin: unknown.

Ambry Genetics
Classification: Uncertain significance for Hereditary cancer-predisposing syndrome. Last evaluated: 2023-04-09. Review status: criteria provided, single submitter. Criteria: Ambry Variant Classification Scheme 2023. Collection method: clinical testing. Allele origin: germline.
Comment: The p.R1833S variant (also known as c.5499A>T), located in coding exon 15 of the APC gene, results from an A to T substitution at nucleotide position 5499. The arginine at codon 1833 is replaced by serine, an amino acid with dissimilar properties. This amino acid position is conserved. In addition, in silico predictors for this gene do not accurately predict pathogenicity. Since supporting evidence is limited at this time, the clinical significance of this alteration remains unclear.

GeneDx
Classification: Uncertain significance. Last evaluated: 2023-04-06. Review status: criteria provided, single submitter. Criteria: GeneDx Variant Classification Process June 2021. Collection method: clinical testing. Allele origin: germline. Affected: yes.
Comment: Not observed at significant frequency in large population cohorts (gnomAD); In silico analysis supports that this missense variant does not alter protein structure/function; Has not been previously published as pathogenic or benign to our knowledge; This variant is associated with the following publications: (PMID: 18199528)